The following is an entry in ClinVar:

NM_000061.3(BTK):c.32T>C (p.Leu11Pro)

Gene: BTK (Bruton tyrosine kinase; minus strand). Cytogenetic location: Xq22.1.
Variant type: single nucleotide variant.
Coding change: c.32T>C on transcript NM_000061.3 (MANE Select); coding-DNA position 32, T replaced by C.
Protein change: p.Leu11Pro; replaces leucine 11 with proline.
Molecular consequence: missense variant.
Genome position (GRCh38, 1-based): chrX:101,375,253, A>G on the plus strand (T>C on the coding strand, the complement: BTK is on the minus strand). VCF-style: chrX-101375253-A-G. GRCh37 (hg19) VCF-style: chrX-100630241-A-G.
Other names: c.134T>C, p.Leu45Pro (NM_001287344.2); c.32T>C, p.Leu11Pro (NM_001287345.2); short protein forms L11P, L45P.
Identifiers: ClinVar variation 651400 (VCV000651400.9), dbSNP rs1603020228, ClinGen allele CA413939777.

ClinVar aggregate classification (germline): Pathogenic (1 of 4 stars; one submission).

Conditions:
X-linked agammaglobulinemia with growth hormone deficiency (IGHD3). Also called: FLEISHER SYNDROME; HYPOGAMMAGLOBULINEMIA AND ISOLATED GROWTH HORMONE DEFICIENCY, X-LINKED; IGHD III; AGAMMAGLOBULINEMIA AND ISOLATED GROWTH HORMONE DEFICIENCY, X-LINKED; Isolated growth hormone deficiency type 3; Growth hormone deficiency with hypogammaglobulinemia. Identifiers: Orphanet 231692, Orphanet 631, MedGen C0472813, MONDO:0010615, OMIM 307200.

Submission:

Labcorp Genetics (formerly Invitae), Labcorp
Classification: Pathogenic for X-linked agammaglobulinemia with growth hormone deficiency. Last evaluated: 2023-04-01. Review status: criteria provided, single submitter. Criteria: Invitae Variant Classification Sherloc (09022015). Collection method: clinical testing. Allele origin: germline.
Comment: This sequence change replaces leucine, which is neutral and non-polar, with proline, which is neutral and non-polar, at codon 11 of the BTK protein (p.Leu11Pro). This variant is not present in population databases (gnomAD no frequency). This missense change has been observed in individuals with X-linked agammaglobulinemia (PMID: 9192269, 19039656, 27512878). ClinVar contains an entry for this variant (Variation ID: 651400). Advanced modeling of protein sequence and biophysical properties (such as structural, functional, and spatial information, amino acid conservation, physicochemical variation, residue mobility, and thermodynamic stability) performed at Invitae indicates that this missense variant is expected to disrupt BTK protein function. For these reasons, this variant has been classified as Pathogenic.

Literature cited by the submitters: PubMed 9192269; PubMed 19039656; PubMed 27512878.